The following is an entry in ClinVar:

NM_004249.4(RAB28):c.650del (p.Cys217fs)

Gene: RAB28 (RAB28, member RAS oncogene family; minus strand). Cytogenetic location: 4p15.33.
Variant type: Deletion.
Coding change: c.650del on transcript NM_004249.4 (MANE Plus Clinical); coding-DNA position 650, one base deleted (G; older notation c.650delG).
Protein change: p.Cys217fs; shifts the reading frame from cysteine 217.
Molecular consequence: frameshift variant. On other transcripts: intron variant (2).
Genome position (GRCh38, 1-based): chr4:13,369,889, C deleted on the plus strand (G on the coding strand, the reverse complement: RAB28 is on the minus strand). VCF-style (leftmost placement, unchanged base first): chr4-13369888-AC-A. GRCh37 (hg19) VCF-style: chr4-13371512-AC-A.
Other names: c.574-1239del (NM_001017979.3); c.*32-1239del (NM_001159601.2); short protein forms C217fs.
Identifiers: ClinVar variation 1024780 (VCV001024780.9), dbSNP rs1239024887, ClinGen allele CA549856844.

ClinVar aggregate classification (germline): Uncertain significance. Review status: criteria provided, multiple submitters, no conflicts (2 of 4 stars). 2 submissions from 2 submitters: Uncertain significance (2). Last evaluated 2022-02-05.

Allele frequency attached by ClinVar (database versions not stated): gnomAD exomes below 0.00001; gnomAD 0.00001 and 0.00002; TOPMed 0.00002.

Submissions (2):

Labcorp Genetics (formerly Invitae), Labcorp
Classification: Uncertain significance. Last evaluated: 2022-02-05. Review status: criteria provided, single submitter. Criteria: Invitae Variant Classification Sherloc (09022015). Collection method: clinical testing. Allele origin: germline.
Comment: In summary, the available evidence is currently insufficient to determine the role of this variant in disease. Therefore, it has been classified as a Variant of Uncertain Significance. ClinVar contains an entry for this variant (Variation ID: 1024780). This variant has not been reported in the literature in individuals affected with RAB28-related conditions. This variant is present in population databases (no rsID available, gnomAD 0.01%). This sequence change results in a frameshift in the RAB28 gene (p.Cys217Phefs*26). While this is not anticipated to result in nonsense mediated decay, it is expected to disrupt the last 4 amino acid(s) of the RAB28 protein and extend the protein by 21 additional amino acid residues.

Blueprint Genetics
Classification: Uncertain significance. Last evaluated: 2020-08-26. Review status: criteria provided, single submitter. Criteria: ACMG Guidelines, 2015. Collection method: clinical testing. Allele origin: germline.